The following is an entry in ClinVar:

NM_001876.4(CPT1A):c.1630G>A (p.Val544Met)

Gene: CPT1A (carnitine palmitoyltransferase 1A; minus strand). Cytogenetic location: 11q13.3.
Variant type: single nucleotide variant.
Coding change: c.1630G>A on transcript NM_001876.4 (MANE Select); coding-DNA position 1630, G replaced by A.
Protein change: p.Val544Met; replaces valine 544 with methionine.
Molecular consequence: missense variant.
Genome position (GRCh38, 1-based): chr11:68,773,375, C>T on the plus strand (G>A on the coding strand, the complement: CPT1A is on the minus strand). VCF-style: chr11-68773375-C-T. GRCh37 (hg19) VCF-style: chr11-68540843-C-T.
Other names: c.1630G>A, p.Val544Met (NM_001031847.3); short protein forms V544M.
Identifiers: ClinVar variation 1496200 (VCV001496200.5), dbSNP rs2153996787, ClinGen allele CA381628951.
Genomic context (GRCh38, chr11:68,773,375, plus strand): 5'-TGCGACATTTCTTGATGATTCCTTTACCAAAGGCTACGAATGGGAAGGAATGGAAATCCA[C>T]GTCGTTTGCCAGAAGATTTGCGGTGTTCAGGGAGGTCTCTATAACCTCTTGACACTTGAG-3'
Protein context (NP_001867.2, residues 534-554): LNTANLLAND[Val544Met]DFHSFPFVAF

ClinVar aggregate classification (germline): Uncertain significance (1 of 4 stars; one submission).

Conditions:
Carnitine palmitoyl transferase 1A deficiency. Also called: CPT deficiency, hepatic, type IA; CPT I DEFICIENCY; CPT DEFICIENCY, HEPATIC, TYPE I; Carnitine palmitoyltransferase 1A deficiency; Carnitine palmitoyltransferase type I deficiency. Identifiers: Orphanet 156, MedGen C1829703, MONDO:0009705, OMIM 255120.

Submission:

Labcorp Genetics (formerly Invitae), Labcorp
Classification: Uncertain significance for Carnitine palmitoyl transferase 1A deficiency. Last evaluated: 2022-03-02. Review status: criteria provided, single submitter. Criteria: Invitae Variant Classification Sherloc (09022015). Collection method: clinical testing. Allele origin: germline.
Comment: This sequence change replaces valine, which is neutral and non-polar, with methionine, which is neutral and non-polar, at codon 544 of the CPT1A protein (p.Val544Met). This variant is not present in population databases (gnomAD no frequency). This variant has not been reported in the literature in individuals affected with CPT1A-related conditions. Algorithms developed to predict the effect of missense changes on protein structure and function are either unavailable or do not agree on the potential impact of this missense change (SIFT: "Tolerated"; PolyPhen-2: "Probably Damaging"; Align-GVGD: "Class C0"). In summary, the available evidence is currently insufficient to determine the role of this variant in disease. Therefore, it has been classified as a Variant of Uncertain Significance.